The following is an entry in ClinVar:

NM_030962.4(SBF2):c.4067T>C (p.Leu1356Pro)

Gene: SBF2 (SET binding factor 2; minus strand). Cytogenetic location: 11p15.4.
Variant type: single nucleotide variant.
Coding change: c.4067T>C on transcript NM_030962.4 (MANE Select); coding-DNA position 4067, T replaced by C.
Protein change: p.Leu1356Pro; replaces leucine 1356 with proline.
Molecular consequence: missense variant.
Genome position (GRCh38, 1-based): chr11:9,812,620, A>G on the plus strand (T>C on the coding strand, the complement: SBF2 is on the minus strand). VCF-style: chr11-9812620-A-G. GRCh37 (hg19) VCF-style: chr11-9834167-A-G.
Other names: c.4163T>C, p.Leu1388Pro (NM_001386339.1); c.3938T>C, p.Leu1313Pro (NM_001386342.1); short protein forms L1356P, L1388P, L1313P.
Identifiers: ClinVar variation 1417840 (VCV001417840.6), dbSNP rs1854252785, ClinGen allele CA379643251.
Genomic context (GRCh38, chr11:9,812,620, plus strand): 5'-GCTTTCAGGAAGGTCACTTCTGAGTCAGTAGGGATGGTGCTTGGGATACAAGCCCTCATC[A>G]GCTTCTTAAAACTGGCTTTCACTTGCCGGATTTCATGAAATTCAACAGGAACAAACTCAC-3'
Protein context (NP_112224.1, residues 1346-1366): IRQVKASFKK[Leu1356Pro]MRACIPSTIP

ClinVar aggregate classification (germline): Uncertain significance (1 of 4 stars; one submission).

Conditions:
Charcot-Marie-Tooth disease type 4. Also called: Charcot-Marie-Tooth, Type 4; Charcot-Marie-Tooth disease, type IV. Identifiers: Orphanet 64749, MedGen C4082197, MONDO:0018995.

Allele frequency attached by ClinVar (database versions not stated): TOPMed 0.00001.

Submission:

Labcorp Genetics (formerly Invitae), Labcorp
Classification: Uncertain significance for Charcot-Marie-Tooth disease type 4. Last evaluated: 2021-12-14. Review status: criteria provided, single submitter. Criteria: Invitae Variant Classification Sherloc (09022015). Collection method: clinical testing. Allele origin: germline.
Comment: This sequence change replaces leucine, which is neutral and non-polar, with proline, which is neutral and non-polar, at codon 1356 of the SBF2 protein (p.Leu1356Pro). This variant is not present in population databases (gnomAD no frequency). This missense change has been observed in individual(s) with clinical features of SBF2-related conditions (Invitae). Algorithms developed to predict the effect of missense changes on protein structure and function are either unavailable or do not agree on the potential impact of this missense change (SIFT: "Deleterious"; PolyPhen-2: "Benign"; Align-GVGD: "Class C0"). In summary, the available evidence is currently insufficient to determine the role of this variant in disease. Therefore, it has been classified as a Variant of Uncertain Significance.